The following is an entry in ClinVar:

NM_000179.3(MSH6):c.2710G>A (p.Asp904Asn)

Gene: MSH6 (mutS homolog 6; plus strand). Cytogenetic location: 2p16.3.
Variant type: single nucleotide variant.
Coding change: c.2710G>A on transcript NM_000179.3 (MANE Select); coding-DNA position 2710, G replaced by A.
Protein change: p.Asp904Asn; replaces aspartic acid 904 with asparagine.
Molecular consequence: missense variant.
Genome position (GRCh38, 1-based): chr2:47,800,693, G>A. VCF-style: chr2-47800693-G-A. GRCh37 (hg19) VCF-style: chr2-48027832-G-A.
Other names: c.2320G>A, p.Asp774Asn (NM_001281492.2); c.1804G>A, p.Asp602Asn (NM_001281493.2, NM_001281494.2); short protein forms D774N, D602N, D904N.
Identifiers: ClinVar variation 942331 (VCV000942331.12), dbSNP rs1379402512, ClinGen allele CA346755337.

ClinVar aggregate classification (germline): Uncertain significance. Review status: criteria provided, multiple submitters, no conflicts (2 of 4 stars). 2 submissions from 2 submitters: Uncertain significance (2). Last evaluated 2025-04-17.

Conditions:
Hereditary nonpolyposis colorectal neoplasms. Identifiers: MedGen C0009405, MeSH D003123.
Hereditary cancer-predisposing syndrome. Also called: Hereditary neoplastic syndrome; Neoplastic Syndromes, Hereditary; Tumor predisposition; Hereditary Cancer Syndrome. Identifiers: Orphanet 140162, MedGen C0027672, MeSH D009386, MONDO:0015356.

Allele frequency attached by ClinVar (database versions not stated): gnomAD exomes below 0.00001.

Submissions (2):

Labcorp Genetics (formerly Invitae), Labcorp
Classification: Uncertain significance for Hereditary nonpolyposis colorectal neoplasms. Last evaluated: 2025-04-17. Review status: criteria provided, single submitter. Criteria: Invitae Variant Classification Sherloc (09022015). Collection method: clinical testing. Allele origin: germline.
Comment: This sequence change replaces aspartic acid, which is acidic and polar, with asparagine, which is neutral and polar, at codon 904 of the MSH6 protein (p.Asp904Asn). This variant is not present in population databases (gnomAD no frequency). This variant has not been reported in the literature in individuals affected with MSH6-related conditions. ClinVar contains an entry for this variant (Variation ID: 942331). Invitae Evidence Modeling of protein sequence and biophysical properties (such as structural, functional, and spatial information, amino acid conservation, physicochemical variation, residue mobility, and thermodynamic stability) indicates that this missense variant is not expected to disrupt MSH6 protein function with a negative predictive value of 95%. In summary, the available evidence is currently insufficient to determine the role of this variant in disease. Therefore, it has been classified as a Variant of Uncertain Significance.

Ambry Genetics
Classification: Uncertain significance for Hereditary cancer-predisposing syndrome. Last evaluated: 2023-06-21. Review status: criteria provided, single submitter. Criteria: Ambry Variant Classification Scheme 2023. Collection method: clinical testing. Allele origin: germline.
Comment: The p.D904N variant (also known as c.2710G>A), located in coding exon 4 of the MSH6 gene, results from a G to A substitution at nucleotide position 2710. The aspartic acid at codon 904 is replaced by asparagine, an amino acid with highly similar properties. This amino acid position is well conserved in available vertebrate species. In addition, the in silico prediction for this alteration is inconclusive. Since supporting evidence is limited at this time, the clinical significance of this alteration remains unclear.